The following is an entry in ClinVar:

NM_020975.6(RET):c.2049C>T (p.Phe683=)

Gene: RET (ret proto-oncogene; plus strand). Cytogenetic location: 10q11.21.
Variant type: single nucleotide variant.
Coding change: c.2049C>T on transcript NM_020975.6 (MANE Select); coding-DNA position 2049, C replaced by T.
Protein change: p.Phe683=; no amino-acid change (phenylalanine 683 retained).
Molecular consequence: synonymous variant.
Genome position (GRCh38, 1-based): chr10:43,114,649, C>T. VCF-style: chr10-43114649-C-T. GRCh37 (hg19) VCF-style: chr10-43610097-C-T.
Other names: c.2049C>T, p.Phe683= (NM_000323.2, NM_001406743.1, NM_001406744.1 and 4 more transcripts); c.1287C>T, p.Phe429= (NM_001355216.2); c.1920C>T, p.Phe640= (NM_001406761.1, NM_001406762.1, NM_001406764.1); c.1914C>T, p.Phe638= (NM_001406763.1, NM_001406765.1); c.1761C>T, p.Phe587= (NM_001406766.1, NM_001406767.1, NM_001406770.1); c.1785C>T, p.Phe595= (NM_001406768.1); c.1653C>T, p.Phe551= (NM_001406769.1, NM_001406772.1); c.1611C>T, p.Phe537= (NM_001406771.1, NM_001406773.1); and 10 more.
Identifiers: ClinVar variation 1078649 (VCV001078649.14), dbSNP rs2132851661, ClinGen allele CA469479919.
Genomic context (GRCh38, chr10:43,114,649, plus strand): 5'-TGCCCACAAGCCACCCATCTCCTCAGCTGAGATGACCTTCCGGAGGCCCGCCCAGGCCTT[C>T]CCGGTCAGCTACTCCTCTTCCGGTGCCCGCCGGCCCTCGCTGGACTCCATGGAGAACCAG-3'
Protein context (NP_066124.1, residues 673-693): EMTFRRPAQA[Phe683=]PVSYSSSGAR

ClinVar aggregate classification (germline): Benign/Likely benign. Review status: criteria provided, multiple submitters, no conflicts (2 of 4 stars). 4 submissions from 4 submitters: Benign (1); Likely benign (2). 1 of the submissions does not count toward it. Last evaluated 2025-10-07.

Conditions:
Multiple endocrine neoplasia type 2A. Also called: Multiple Endocrine Neoplasia Type 2A (MEN2A); MULTIPLE ENDOCRINE NEOPLASIA, TYPE IIA; PTC SYNDROME; SIPPLE SYNDROME; MEN 2A; MEN-2A syndrome. Identifiers: Orphanet 247698, Orphanet 653, MedGen C0025268, MeSH D018813, MONDO:0008234, OMIM 171400.
RET-related disorder. Also called: RET-related disorders; RET-related condition; RET-related disease.
Hereditary cancer-predisposing syndrome. Also called: Hereditary Cancer Syndrome; Hereditary neoplastic syndrome; Tumor predisposition; Neoplastic Syndromes, Hereditary. Identifiers: Orphanet 140162, MedGen C0027672, MeSH D009386, MONDO:0015356.
Multiple endocrine neoplasia, type 2 (MEN2). Identifiers: Orphanet 653, MedGen C4048306, MONDO:0019003. Disease mechanism: gain of function.

Allele frequency attached by ClinVar (database versions not stated): gnomAD exomes below 0.00001.
gnomAD v4.1: 2 of 1,613,078 alleles (0.00012%); highest among the groups gnomAD compares: Non-Finnish European, 0.00017%; no homozygotes.

Submissions (4):

Labcorp Genetics (formerly Invitae), Labcorp
Classification: Likely benign for Multiple endocrine neoplasia, type 2. Last evaluated: 2025-10-07. Review status: criteria provided, single submitter. Criteria: Invitae Variant Classification Sherloc (09022015). Collection method: clinical testing. Allele origin: germline.

Myriad Genetics, Inc.
Classification: Benign for Multiple endocrine neoplasia type 2A. Last evaluated: 2025-02-26. Review status: criteria provided, single submitter. Criteria: Myriad Autosomal Dominant, Autosomal Recessive and X-Linked Classification Criteria (2023). Collection method: clinical testing. Allele origin: unknown.
Comment: This variant is considered benign. This variant is a silent/synonymous amino acid change and it is not expected to impact splicing.

Ambry Genetics
Classification: Likely benign for Hereditary cancer-predisposing syndrome. Last evaluated: 2022-12-25. Review status: criteria provided, single submitter. Criteria: Ambry Variant Classification Scheme 2023. Collection method: clinical testing. Allele origin: germline.

PreventionGenetics, part of Exact Sciences
Classification: Likely benign for RET-related condition. Last evaluated: 2023-01-30. Review status: no assertion criteria provided. Collection method: clinical testing. Allele origin: germline. Not counted in ClinVar's aggregate classification.
Comment: This variant is classified as likely benign based on ACMG/AMP sequence variant interpretation guidelines (Richards et al. 2015 PMID: 25741868, with internal and published modifications).